The following is an entry in ClinVar:

NM_000789.4(ACE):c.3656T>C (p.Leu1219Pro)

Gene: ACE (angiotensin I converting enzyme; plus strand). Cytogenetic location: 17q23.3.
Variant type: single nucleotide variant.
Coding change: c.3656T>C on transcript NM_000789.4 (MANE Select); coding-DNA position 3656, T replaced by C.
Protein change: p.Leu1219Pro; replaces leucine 1219 with proline.
Molecular consequence: missense variant.
Genome position (GRCh38, 1-based): chr17:63,496,950, T>C. VCF-style: chr17-63496950-T-C. GRCh37 (hg19) VCF-style: chr17-61574311-T-C.
Other names: c.1811T>C, p.Leu604Pro (NM_001178057.2); c.1934T>C, p.Leu645Pro (NM_152830.3); short protein forms L645P, L1219P, L604P.
Identifiers: ClinVar variation 891217 (VCV000891217.36), dbSNP rs140941300, ClinGen allele CA8700578.

ClinVar aggregate classification (germline): Conflicting classifications of pathogenicity. Review status: criteria provided, conflicting classifications (1 of 4 stars). 7 submissions from 7 submitters: Uncertain significance (5); Likely benign (2). Last evaluated 2026-02-01.

Conditions:
Inborn genetic diseases. Identifiers: MedGen C0950123, MeSH D030342.
Renal tubular dysgenesis. Also called: Renotubular dysgenesis. Identifiers: Orphanet 3033, MedGen C0266313, MONDO:0017609, HP:0008660.
Microvascular complications of diabetes, susceptibility to, 3. Identifiers: MedGen C2675470, MONDO:0012963, OMIM 612624.
Renal tubular dysgenesis of genetic origin. Also called: PRIMITIVE RENAL TUBULE SYNDROME. Identifiers: Orphanet 97369, MedGen C5681536, MONDO:0009970, OMIM 267430.
Hemorrhage, intracerebral, susceptibility to (ICH). Also called: Stroke, hemorrhagic, susceptibility to. Identifiers: MedGen C3281105, MONDO:0100533, OMIM 614519.

Allele frequency attached by ClinVar (database versions not stated): ESP Exome Variant Server 0.00008; gnomAD 0.00025 and 0.00032; TOPMed 0.00037; gnomAD exomes 0.00040 and 0.00047; ExAC 0.00049; 1000 Genomes Project 0.00060; 1000 Genomes Project 30x 0.00062.
gnomAD v4.1: 638 of 1,612,852 alleles (0.04%); highest among the groups gnomAD compares: Middle Eastern, 0.45%; 4 homozygotes.

Submissions (7):

Labcorp Genetics (formerly Invitae), Labcorp
Classification: Uncertain significance. Last evaluated: 2026-02-01. Review status: criteria provided, single submitter. Criteria: Invitae Variant Classification Sherloc (09022015). Collection method: clinical testing. Allele origin: germline.
Comment: This sequence change replaces leucine, which is neutral and non-polar, with proline, which is neutral and non-polar, at codon 1219 of the ACE protein (p.Leu1219Pro). This variant is present in population databases (rs140941300, gnomAD 0.1%), and has an allele count higher than expected for a pathogenic variant. This variant has not been reported in the literature in individuals affected with ACE-related conditions. ClinVar contains an entry for this variant (Variation ID: 891217). Invitae Evidence Modeling of protein sequence and biophysical properties (such as structural, functional, and spatial information, amino acid conservation, physicochemical variation, residue mobility, and thermodynamic stability) indicates that this missense variant is not expected to disrupt ACE protein function with a negative predictive value of 80%. In summary, the available evidence is currently insufficient to determine the role of this variant in disease. Therefore, it has been classified as a Variant of Uncertain Significance.

GeneDx
Classification: Uncertain significance. Last evaluated: 2024-10-21. Review status: criteria provided, single submitter. Criteria: GeneDx Variant Classification Process June 2021. Collection method: clinical testing. Allele origin: germline. Affected: yes.
Comment: In silico analysis supports that this missense variant has a deleterious effect on protein structure/function; Has not been previously published as pathogenic or benign to our knowledge

Fulgent Genetics
Classification: Likely benign for Renal tubular dysgenesis of genetic origin; Microvascular complications of diabetes, susceptibility to, 3; Hemorrhage, intracerebral, susceptibility to. Last evaluated: 2024-03-06. Review status: criteria provided, single submitter. Criteria: ACMG Guidelines, 2015. Collection method: clinical testing. Allele origin: germline.

CeGaT Center for Human Genetics Tuebingen
Classification: Likely benign. Last evaluated: 2023-09-01. Review status: criteria provided, single submitter. Criteria: CeGaT Center For Human Genetics Tuebingen Variant Classification Criteria Version 2. Collection method: clinical testing. Allele origin: germline. Affected: yes. Observed: 1 variant allele.
Comment: ACE: BP4

Ambry Genetics
Classification: Uncertain significance for Inborn genetic diseases. Last evaluated: 2021-08-10. Review status: criteria provided, single submitter. Criteria: Ambry Variant Classification Scheme 2023. Collection method: clinical testing. Allele origin: germline.

Illumina Laboratory Services, Illumina
Classification: Uncertain significance for Renal tubular dysgenesis of genetic origin. Last evaluated: 2017-04-27. Review status: criteria provided, single submitter. Criteria: ICSL Variant Classification Criteria 13 December 2019. Collection method: clinical testing. Allele origin: germline.

Breakthrough Genomics
Classification: Uncertain significance. Review status: criteria provided, single submitter. Criteria: ACMG Guidelines, 2015. Collection method: not provided. Allele origin: germline. Inheritance: Autosomal recessive inheritance. Affected: yes.